The following is an entry in ClinVar:

ClinVar aggregate classification (germline): Uncertain significance. Review status: criteria provided, multiple submitters, no conflicts (2 of 4 stars). 4 submissions from 4 submitters: Uncertain significance (4). Last evaluated 2025-07-04.

Conditions:
Autosomal recessive ataxia, Beauce type. Also called: Spinocerebellar ataxia, autosomal recessive 8; ATAXIA, RECESSIVE, OF BEAUCE; SYNE1 Deficiency; SYNE1-Related Autosomal Recessive Cerebellar Ataxia. Identifiers: Orphanet 88644, MedGen C1853116, MONDO:0012549, OMIM 610743.
Emery-Dreifuss muscular dystrophy 4, autosomal dominant (EDMD4). Also called: EMERY-DREIFUSS MUSCULAR DYSTROPHY 4 WITH VARIABLE FEATURES. Identifiers: Orphanet 261, MedGen C2751807, MONDO:0013071, OMIM 612998.

Allele frequency attached by ClinVar (database versions not stated): gnomAD 0.00001; ExAC 0.00002; gnomAD exomes 0.00002; TOPMed 0.00002.
gnomAD v4.1: 28 of 1,613,968 alleles (0.0017%); highest among the groups gnomAD compares: Non-Finnish European, 0.0022%; no homozygotes.

Submissions (4):

Revvity Omics, Revvity
Classification: Uncertain significance. Last evaluated: 2025-07-04. Review status: criteria provided, single submitter. Criteria: ACMG Guidelines, 2015. Collection method: clinical testing. Allele origin: germline.

Labcorp Genetics (formerly Invitae), Labcorp
Classification: Uncertain significance for Emery-Dreifuss muscular dystrophy 4, autosomal dominant; Autosomal recessive ataxia, Beauce type. Last evaluated: 2022-08-19. Review status: criteria provided, single submitter. Criteria: Invitae Variant Classification Sherloc (09022015). Collection method: clinical testing. Allele origin: germline.
Comment: This sequence change replaces glycine, which is neutral and non-polar, with aspartic acid, which is acidic and polar, at codon 6476 of the SYNE1 protein (p.Gly6476Asp). This variant is present in population databases (rs766241487, gnomAD 0.003%). This variant has not been reported in the literature in individuals affected with SYNE1-related conditions. ClinVar contains an entry for this variant (Variation ID: 288871). Algorithms developed to predict the effect of missense changes on protein structure and function are either unavailable or do not agree on the potential impact of this missense change (SIFT: "Tolerated"; PolyPhen-2: "Possibly Damaging"; Align-GVGD: "Class C15"). In summary, the available evidence is currently insufficient to determine the role of this variant in disease. Therefore, it has been classified as a Variant of Uncertain Significance.

Fulgent Genetics
Classification: Uncertain significance for Autosomal recessive ataxia, Beauce type; Emery-Dreifuss muscular dystrophy 4, autosomal dominant. Last evaluated: 2018-10-31. Review status: criteria provided, single submitter. Criteria: ACMG Guidelines, 2015. Collection method: clinical testing. Allele origin: unknown.

Eurofins Ntd Llc (ga)
Classification: Uncertain significance. Last evaluated: 2016-06-30. Review status: criteria provided, single submitter. Criteria: EGL Classification Definitions 2015. Collection method: clinical testing. Allele origin: germline. Observed: 1 variant allele, 1 heterozygote.

NM_182961.4(SYNE1):c.19640G>A (p.Gly6547Asp)

Gene: SYNE1 (spectrin repeat containing nuclear envelope protein 1; minus strand). Cytogenetic location: 6q25.2.
Variant type: single nucleotide variant.
Coding change: c.19640G>A on transcript NM_182961.4 (MANE Select); coding-DNA position 19640, G replaced by A.
Protein change: p.Gly6547Asp; replaces glycine 6547 with aspartic acid.
Molecular consequence: missense variant.
Genome position (GRCh38, 1-based): chr6:152,244,589, C>T on the plus strand (G>A on the coding strand, the complement: SYNE1 is on the minus strand). VCF-style: chr6-152244589-C-T. GRCh37 (hg19) VCF-style: chr6-152565724-C-T.
Other names: c.19427G>A, p.Gly6476Asp (NM_033071.5); short protein forms G6476D, G6547D.
Identifiers: ClinVar variation 288871 (VCV000288871.15), dbSNP rs766241487, ClinGen allele CA4054622.
Genomic context (GRCh38, chr6:152,244,589, plus strand): 5'-GGCTGCACCTGGAGCTTGGAGAGTTCTTGCATGGACGGCTGCTCGACCTGTAGCTTGTCA[C>T]CACGCCTCTTTAATTCAATGATTCCTGCATCAAATTCTTTGAGTCCATCTTCAGCCTGTT-3'
Protein context (NP_892006.3, residues 6537-6557): DAGIIELKRR[Gly6547Asp]DKLQVEQPSM